The following is an entry in ClinVar:

ClinVar aggregate classification (germline): Uncertain significance. Review status: criteria provided, multiple submitters, no conflicts (2 of 4 stars). 2 submissions from 2 submitters: Uncertain significance (2). Last evaluated 2026-04-13.

Conditions:
CFI-related disorder. Also called: CFI-related disorders; CFI-related condition. Identifiers: MedGen CN239325.

Allele frequency attached by ClinVar (database versions not stated): ExAC 0.00002; ESP Exome Variant Server 0.00008.
gnomAD v4.1: 18 of 1,612,710 alleles (0.0011%); highest among the groups gnomAD compares: Non-Finnish European, 0.0014%; no homozygotes.

Submissions (2):

PreventionGenetics, part of Exact Sciences
Classification: Uncertain significance for CFI-related condition. Last evaluated: 2026-04-13. Review status: criteria provided, single submitter. Criteria: ACMG Guidelines, 2015. Collection method: clinical testing. Allele origin: germline.
Comment: The CFI c.504G>T variant is predicted to result in the amino acid substitution p.Arg168Ser. To our knowledge, this variant has not been reported in the literature. This variant is reported in 0.0062% of alleles in individuals of African descent in gnomAD. At this time, the clinical significance of this variant is uncertain due to the absence of conclusive functional and genetic evidence.

Labcorp Genetics (formerly Invitae), Labcorp
Classification: Uncertain significance. Last evaluated: 2023-08-05. Review status: criteria provided, single submitter. Criteria: Invitae Variant Classification Sherloc (09022015). Collection method: clinical testing. Allele origin: germline.
Comment: Advanced modeling of protein sequence and biophysical properties (such as structural, functional, and spatial information, amino acid conservation, physicochemical variation, residue mobility, and thermodynamic stability) performed at Invitae indicates that this missense variant is not expected to disrupt CFI protein function. This variant has not been reported in the literature in individuals affected with CFI-related conditions. This variant is present in population databases (rs143168498, gnomAD 0.007%). This sequence change replaces arginine, which is basic and polar, with serine, which is neutral and polar, at codon 168 of the CFI protein (p.Arg168Ser). In summary, the available evidence is currently insufficient to determine the role of this variant in disease. Therefore, it has been classified as a Variant of Uncertain Significance.

NM_000204.5(CFI):c.504G>T (p.Arg168Ser)

Gene: CFI (complement factor I; minus strand). Cytogenetic location: 4q25.
Variant type: single nucleotide variant.
Coding change: c.504G>T on transcript NM_000204.5 (MANE Select); coding-DNA position 504, G replaced by T.
Protein change: p.Arg168Ser; replaces arginine 168 with serine.
Molecular consequence: missense variant. On other transcripts: 5 prime UTR variant (1), non-coding transcript variant (3).
Genome position (GRCh38, 1-based): chr4:109,761,671, C>A on the plus strand (G>T on the coding strand, the complement: CFI is on the minus strand). VCF-style: chr4-109761671-C-A. GRCh37 (hg19) VCF-style: chr4-110682827-C-A.
Other names: c.504G>T, p.Arg168Ser (NM_001318057.2, NM_001331035.2, NM_001375278.1 and 5 more transcripts); c.-106G>T (NM_001375284.1); c.504G>T (NM_000204.4); short protein forms R168S.
Identifiers: ClinVar variation 3005417 (VCV003005417.4), dbSNP rs143168498, ClinGen allele CA3042239.
Genomic context (GRCh38, chr4:109,761,671, plus strand): 5'-TCCTCGGCAATGCACATGTAGACATTCAGTGGAATTTATAGAGAGATCAGACAACTTAAA[C>A]CTTCTTTGAGTATCAGCACCTCTGCAAATAGAATAAAGGAAACATTATGGTAGAATAATT-3'
Protein context (NP_000195.3, residues 158-178): GFQQGADTQR[Arg168Ser]FKLSDLSINS